The following is an entry in ClinVar:

ClinVar aggregate classification (germline): Pathogenic (1 of 4 stars; one submission).

Conditions:
Familial adenomatous polyposis 1 (FAP1). Also called: FAMILIAL ADENOMATOUS POLYPOSIS 1, ATTENUATED; POLYPOSIS, ADENOMATOUS INTESTINAL. Identifiers: MedGen C2713442, MONDO:0021056, OMIM 175100. Disease mechanism: loss of function.

Submission:

Labcorp Genetics (formerly Invitae), Labcorp
Classification: Pathogenic for Familial adenomatous polyposis 1. Last evaluated: 2023-09-26. Review status: criteria provided, single submitter. Criteria: Invitae Variant Classification Sherloc (09022015). Collection method: clinical testing. Allele origin: germline.
Comment: For these reasons, this variant has been classified as Pathogenic. Studies have shown that disruption of this splice site results in activation of a cryptic splice site and introduces a premature termination codon (Invitae). The resulting mRNA is expected to undergo nonsense-mediated decay. ClinVar contains an entry for this variant (Variation ID: 1520547). Disruption of this splice site has been observed in individual(s) with familial adenomatous polyposis (PMID: 23159591; Invitae). This variant is not present in population databases (gnomAD no frequency). This sequence change affects an acceptor splice site in intron 3 of the APC gene. RNA analysis indicates that disruption of this splice site induces altered splicing and may result in an absent or disrupted protein product.

Literature cited by the submitters: PubMed 23159591.

NM_000038.6(APC):c.221-2A>T

Gene: APC (APC regulator of Wnt signaling pathway; plus strand). Cytogenetic location: 5q22.2.
Variant type: single nucleotide variant.
Coding change: c.221-2A>T on transcript NM_000038.6 (MANE Select); the canonical splice acceptor site of the intron before coding-DNA position 221, A replaced by T.
Molecular consequence: splice acceptor variant.
Genome position (GRCh38, 1-based): chr5:112,767,187, A>T. VCF-style: chr5-112767187-A-T. GRCh37 (hg19) VCF-style: chr5-112102884-A-T.
Other names: c.-815-2A>T (NM_001407470.1, NM_001407472.1, NM_001354906.2 and 1 more transcripts); c.221-2A>T (NM_001407447.1, NM_001354895.2, NM_001407456.1 and 16 more transcripts); c.251-2A>T (NM_001407446.1, NM_001354897.2, NM_001354902.2 and 1 more transcripts); c.44-2A>T (NM_001407453.1, NM_001354900.2, NM_001354901.2 and 1 more transcripts); c.146-2A>T (NM_001407451.1, NM_001354898.2, NM_001354904.2).
Identifiers: ClinVar variation 1520547 (VCV001520547.8), dbSNP rs786201291, ClinGen allele CA360617471.